The following is an entry in ClinVar:

ClinVar aggregate classification (germline): Uncertain significance (1 of 4 stars; one submission).

Submission:

Labcorp Genetics (formerly Invitae), Labcorp
Classification: Uncertain significance. Last evaluated: 2026-01-09. Review status: criteria provided, single submitter. Criteria: Invitae Variant Classification Sherloc (09022015). Collection method: clinical testing. Allele origin: germline.
Comment: This sequence change replaces alanine, which is neutral and non-polar, with valine, which is neutral and non-polar, at codon 464 of the JARID2 protein (p.Ala464Val). This variant is not present in population databases (gnomAD no frequency). This variant has not been reported in the literature in individuals affected with JARID2-related conditions. An algorithm developed to predict the effect of missense changes on protein structure and function (PolyPhen-2) suggests that this variant is likely to be tolerated. In summary, the available evidence is currently insufficient to determine the role of this variant in disease. Therefore, it has been classified as a Variant of Uncertain Significance.

NM_004973.4(JARID2):c.1391C>T (p.Ala464Val)

Gene: JARID2 (jumonji and AT-rich interaction domain containing 2; plus strand). Cytogenetic location: 6p22.3.
Variant type: single nucleotide variant.
Coding change: c.1391C>T on transcript NM_004973.4 (MANE Select); coding-DNA position 1391, C replaced by T.
Protein change: p.Ala464Val; replaces alanine 464 with valine.
Molecular consequence: missense variant.
Genome position (GRCh38, 1-based): chr6:15,496,616, C>T. VCF-style: chr6-15496616-C-T. GRCh37 (hg19) VCF-style: chr6-15496847-C-T.
Other names: c.875C>T, p.Ala292Val (NM_001267040.1); short protein forms A464V, A292V.
Identifiers: ClinVar variation 4735025 (VCV004735025.1).
Genomic context (GRCh38, chr6:15,496,616, plus strand): 5'-TGGAAGAGGCACACCAGGCGGAGAAGCCGCAGTCGCCCCCCAAGAAGATGAAAGGGGCGG[C>T]TGGCCCCGCCGAAGGCCCTGGCAAGAAGGCCCCGGCCGAGAGAGGTCTGCTGAACGGACA-3'
Protein context (NP_004964.2, residues 454-474): QSPPKKMKGA[Ala464Val]GPAEGPGKKA